The following is an entry in ClinVar:

NM_004006.3(DMD):c.2956C>T (p.Gln986Ter)

Gene: DMD (dystrophin; minus strand). Cytogenetic location: Xp21.1.
Variant type: single nucleotide variant.
Coding change: c.2956C>T on transcript NM_004006.3 (MANE Select); coding-DNA position 2956, C replaced by T.
Protein change: p.Gln986Ter; replaces glutamine 986 with a stop codon.
Molecular consequence: nonsense.
Genome position (GRCh38, 1-based): chrX:32,468,704, G>A on the plus strand (C>T on the coding strand, the complement: DMD is on the minus strand). VCF-style: chrX-32468704-G-A. GRCh37 (hg19) VCF-style: chrX-32486821-G-A.
Other names: NP_003997.1:p.Gln986*; c.2932C>T, p.Gln978Ter (NM_000109.4); c.2944C>T, p.Gln982Ter (NM_004009.3); c.2587C>T, p.Gln863Ter (NM_004010.3); short protein forms Q986*, Q863*, Q982*, Q978*.
Identifiers: ClinVar variation 166817 (VCV000166817.8), dbSNP rs727503844, ClinGen allele CA273310.

ClinVar aggregate classification (germline): Pathogenic. Review status: criteria provided, multiple submitters, no conflicts (2 of 4 stars). 2 submissions from 2 submitters: Pathogenic (2). Last evaluated 2015-11-10.

Submissions (2):

GeneDx
Classification: Pathogenic. Last evaluated: 2015-11-10. Review status: criteria provided, single submitter. Criteria: GeneDx Variant Classification (06012015). Collection method: clinical testing. Allele origin: germline. Affected: yes.
Comment: The Q986X nonsense variant in the DMD gene has been reported previously in association withDuchenne muscular dystrophy (Spitali et al., 2009; Torella et al., 2010). This pathogenic variant ispredicted to cause loss of normal protein function either through protein truncation or nonsense-mediated mRNA decay. Furthermore, the Q986X variant was not observed in approximately 6,500individuals of European and African American ancestry in the NHLBI Exome Sequencing Project,indicating it is not a common benign variant in these populations. Therefore, the Q986X variant in DMD is interpreted as pathogenic.

Eurofins Ntd Llc (ga)
Classification: Pathogenic. Last evaluated: 2014-05-05. Review status: criteria provided, single submitter. Criteria: EGL Classification Definitions 2015. Collection method: clinical testing. Allele origin: germline. Observed: 1 variant allele, 1 hemizygote.